The following is an entry in ClinVar:

NM_003737.4(DCHS1):c.878A>G (p.Glu293Gly)

Gene: DCHS1 (dachsous cadherin-related 1; minus strand). Cytogenetic location: 11p15.4.
Variant type: single nucleotide variant.
Coding change: c.878A>G on transcript NM_003737.4 (MANE Select); coding-DNA position 878, A replaced by G.
Protein change: p.Glu293Gly; replaces glutamic acid 293 with glycine.
Molecular consequence: missense variant.
Genome position (GRCh38, 1-based): chr11:6,640,736, T>C on the plus strand (A>G on the coding strand, the complement: DCHS1 is on the minus strand). VCF-style: chr11-6640736-T-C. GRCh37 (hg19) VCF-style: chr11-6661967-T-C.
Other names: short protein forms E293G.
Identifiers: ClinVar variation 1388074 (VCV001388074.6), dbSNP rs2134644981, ClinGen allele CA379439178.

ClinVar aggregate classification (germline): Uncertain significance (1 of 4 stars; one submission).

Submission:

Labcorp Genetics (formerly Invitae), Labcorp
Classification: Uncertain significance. Last evaluated: 2025-08-11. Review status: criteria provided, single submitter. Criteria: Invitae Variant Classification Sherloc (09022015). Collection method: clinical testing. Allele origin: germline.
Comment: This sequence change replaces glutamic acid, which is acidic and polar, with glycine, which is neutral and non-polar, at codon 293 of the DCHS1 protein (p.Glu293Gly). This variant is not present in population databases (gnomAD no frequency). This variant has not been reported in the literature in individuals affected with DCHS1-related conditions. ClinVar contains an entry for this variant (Variation ID: 1388074). Invitae Evidence Modeling of protein sequence and biophysical properties (such as structural, functional, and spatial information, amino acid conservation, physicochemical variation, residue mobility, and thermodynamic stability) indicates that this missense variant is not expected to disrupt DCHS1 protein function with a negative predictive value of 80%. In summary, the available evidence is currently insufficient to determine the role of this variant in disease. Therefore, it has been classified as a Variant of Uncertain Significance.